The following is an entry in ClinVar:

NM_018136.5(ASPM):c.6808C>T (p.Gln2270Ter)

Gene: ASPM (assembly factor for spindle microtubules; minus strand). Cytogenetic location: 1q31.3.
Variant type: single nucleotide variant.
Coding change: c.6808C>T on transcript NM_018136.5 (MANE Select); coding-DNA position 6808, C replaced by T.
Protein change: p.Gln2270Ter; replaces glutamine 2270 with a stop codon.
Molecular consequence: nonsense. On other transcripts: intron variant (1).
Genome position (GRCh38, 1-based): chr1:197,102,443, G>A on the plus strand (C>T on the coding strand, the complement: ASPM is on the minus strand). VCF-style: chr1-197102443-G-A. GRCh37 (hg19) VCF-style: chr1-197071573-G-A.
Other names: c.4066-6279C>T (NM_001206846.2); short protein forms Q2270*.
Identifiers: ClinVar variation 2585579 (VCV002585579.1), dbSNP rs2527295551, ClinGen allele CA344021413.

ClinVar aggregate classification (germline): Likely pathogenic (1 of 4 stars; one submission).

Conditions:
Microcephaly 5, primary, autosomal recessive (MCPH5). Also called: ASPM Primary Microcephaly. Identifiers: Orphanet 2512, MedGen C1837501, MONDO:0012106, OMIM 608716.

Submission:

Neuberg Centre For Genomic Medicine, NCGM
Classification: Likely pathogenic for Microcephaly 5, primary, autosomal recessive. Review status: criteria provided, single submitter. Criteria: ACMG Guidelines, 2015. Collection method: clinical testing. Allele origin: germline. Inheritance: Autosomal recessive inheritance. Affected: yes.
Comment: The stop gained (c.6808C>T) variant has not been reported previously as a pathogenic variant nor as a benign variant, to our knowledge. The p.Gln2270Ter variant is novel (not in any individuals) in gnomAD Exomes and 1000 Genomes. This variant has not been reported to the ClinVar database. This variant is predicted to cause loss of normal protein function through protein truncation. Loss of function variants have been previously reported to be disease causing. For these reasons, this variant has been classified as uncertain significance .